The following is an entry in ClinVar:

ClinVar aggregate classification (germline): Likely benign. Review status: criteria provided, multiple submitters, no conflicts (2 of 4 stars). 2 submissions from 2 submitters: Likely benign (2). Last evaluated 2026-01-01.

Allele frequency attached by ClinVar (database versions not stated): ExAC 0.00004; gnomAD exomes 0.00006; gnomAD 0.00008; ESP Exome Variant Server 0.00009.
gnomAD v4.1: 68 of 1,191,514 alleles (0.0057%); highest among the groups gnomAD compares: Non-Finnish European, 0.0073%; no homozygotes.

Submissions (2):

CeGaT Center for Human Genetics Tuebingen
Classification: Likely benign. Last evaluated: 2026-01-01. Review status: criteria provided, single submitter. Criteria: CeGaT Center For Human Genetics Tuebingen Variant Classification Criteria Version 2. Collection method: clinical testing. Allele origin: germline. Affected: yes. Observed: 3 variant alleles.
Comment: TAF1: BP4, BS2

Labcorp Genetics (formerly Invitae), Labcorp
Classification: Likely benign. Last evaluated: 2023-08-19. Review status: criteria provided, single submitter. Criteria: Invitae Variant Classification Sherloc (09022015). Collection method: clinical testing. Allele origin: germline.

NM_004606.5(TAF1):c.3052-5C>T

Gene: TAF1 (TATA-box binding protein associated factor 1; plus strand). Cytogenetic location: Xq13.1.
Variant type: single nucleotide variant.
Coding change: c.3052-5C>T on transcript NM_004606.5 (MANE Select); 5 bases into the intron before coding-DNA position 3052, C replaced by T.
Molecular consequence: intron variant.
Genome position (GRCh38, 1-based): chrX:71,393,296, C>T. VCF-style: chrX-71393296-C-T. GRCh37 (hg19) VCF-style: chrX-70613146-C-T.
Other names: c.3052-5C>T (NM_001286074.2); c.2989-5C>T (NM_138923.4).
Identifiers: ClinVar variation 2863174 (VCV002863174.16), dbSNP rs373365960, ClinGen allele CA10446991.